The following is an entry in ClinVar:

NM_001198533.2(OXR1):c.221-21184C>T

Genes: OXR1 (oxidation resistance 1; plus strand), LOC130000962 (ATAC-STARR-seq lymphoblastoid silent region 19465; plus strand). Cytogenetic location: 8q23.1.
Variant type: single nucleotide variant.
Coding change: c.221-21184C>T on transcript NM_001198533.2 (MANE Select); 21184 bases into the intron before coding-DNA position 221, C replaced by T.
Molecular consequence: intron variant. On other transcripts: missense variant (1).
Genome position (GRCh38, 1-based): chr8:106,658,026, C>T. VCF-style: chr8-106658026-C-T. GRCh37 (hg19) VCF-style: chr8-107670254-C-T.
Other names: c.40C>T, p.Leu14Phe (NM_181354.4); c.221-21184C>T (NM_018002.3); c.224-21184C>T (NM_001198532.1); short protein forms L14F.
Identifiers: ClinVar variation 1805978 (VCV001805978.1), dbSNP rs894986182, ClinGen allele CA183394826.

ClinVar aggregate classification (germline): Uncertain significance (1 of 4 stars; one submission).

Conditions:
Isolated cerebellar hypoplasia/agenesis (CHEGDD). Also called: Cerebellar hypoplasia/atrophy, epilepsy, and global developmental delay. Identifiers: Orphanet 1398, Orphanet 2246, MedGen C5231391, MONDO:0008939, OMIM 213000.

Allele frequency attached by ClinVar (database versions not stated): gnomAD exomes below 0.00001.
gnomAD v4.1: 3 of 1,248,618 alleles (0.00024%); highest among the groups gnomAD compares: South Asian, 0.012%; no homozygotes.

Submission:

Victorian Clinical Genetics Services, Murdoch Childrens Research Institute
Classification: Uncertain significance for Isolated cerebellar hypoplasia/agenesis. Last evaluated: 2022-09-02. Review status: criteria provided, single submitter. Criteria: ACMG Guidelines, 2015. Collection method: clinical testing. Allele origin: germline. Inheritance: Autosomal recessive inheritance. Affected: yes.
Comment: Based on the classification scheme VCGS_Germline_v1.3.4, this variant is classified as VUS-3C. Following criteria are met: 0102 - Loss of function is a known mechanism of disease in this gene and is associated with cerebellar hypoplasia/atrophy, epilepsy, and global developmental delay (MIM#213000). (I) 0106 - This gene is associated with autosomal recessive disease. (I) 0200 - Variant is predicted to result in a missense amino acid change from leucine to phenylalanine. (I) 0219 - This variant is non-coding in an alternative transcript. This variant is deep intronic (c.221-21184C>T) within the ClinVar predominant transcript (NM_001198533.2). The transcripts NM_018002.3 and NM_001198532.1, as well as NM_181354.4 have been reported to be expressed in the central nervous system (PMID:31785787). 0252 - This variant is homozygous. (I) 0301 - Variant is absent from gnomAD (both v2 and v3). (SP) 0503 - Missense variant consistently predicted to be tolerated by multiple in silico tools or not conserved in placental mammals with a minor amino acid change. (SB) 0604 - Variant is not located in an established domain, motif, hotspot or informative constraint region. (I) 0705 - No comparable missense variants have previous evidence for pathogenicity. (I) 0807 - This variant has no previous evidence of pathogenicity. (I) 0905 - No published segregation evidence has been identified for this variant. (I) 1007 - No published functional evidence has been identified for this variant. (I) 1208 - Inheritance information for this variant is not currently available in this individual. (I) Legend: (SP) - Supporting pathogenic, (I) - Information, (SB) - Supporting benign

Literature cited by the submitters: PubMed 31785787.